The following is an entry in ClinVar:

NM_005027.4(PIK3R2):c.1816G>T (p.Ala606Ser)

Gene: PIK3R2 (phosphoinositide-3-kinase regulatory subunit 2; plus strand). Cytogenetic location: 19p13.11.
Variant type: single nucleotide variant.
Coding change: c.1816G>T on transcript NM_005027.4 (MANE Select); coding-DNA position 1816, G replaced by T.
Protein change: p.Ala606Ser; replaces alanine 606 with serine.
Molecular consequence: missense variant. On other transcripts: non-coding transcript variant (2).
Genome position (GRCh38, 1-based): chr19:18,168,733, G>T. VCF-style: chr19-18168733-G-T. GRCh37 (hg19) VCF-style: chr19-18279543-G-T.
Other names: short protein forms A606S.
Identifiers: ClinVar variation 1311007 (VCV001311007.2), dbSNP rs369303652, ClinGen allele CA9307165.

ClinVar aggregate classification (germline): Uncertain significance (1 of 4 stars; one submission).

Allele frequency attached by ClinVar (database versions not stated): gnomAD exomes below 0.00001; TOPMed below 0.00001; ExAC 0.00001; ESP Exome Variant Server 0.00008.
gnomAD v4.1: 2 of 1,545,180 alleles (0.00013%); highest among the groups gnomAD compares: Non-Finnish European, 0.00018%; no homozygotes.

Submission:

GeneDx
Classification: Uncertain significance. Last evaluated: 2019-12-06. Review status: criteria provided, single submitter. Criteria: GeneDx Variant Classification Process June 2021. Collection method: clinical testing. Allele origin: germline. Affected: yes.
Comment: In silico analysis, which includes protein predictors and evolutionary conservation, supports that this variant does not alter protein structure/function; Has not been previously published as pathogenic or benign to our knowledge